The following is an entry in ClinVar:

NM_000257.4(MYH7):c.3086A>C (p.Gln1029Pro)

Gene: MYH7 (myosin heavy chain 7; minus strand). Cytogenetic location: 14q11.2.
Variant type: single nucleotide variant.
Coding change: c.3086A>C on transcript NM_000257.4 (MANE Select); coding-DNA position 3086, A replaced by C.
Protein change: p.Gln1029Pro; replaces glutamine 1029 with proline.
Molecular consequence: missense variant.
Genome position (GRCh38, 1-based): chr14:23,423,560, T>G on the plus strand (A>C on the coding strand, the complement: MYH7 is on the minus strand). VCF-style: chr14-23423560-T-G. GRCh37 (hg19) VCF-style: chr14-23892769-T-G.
Other names: short protein forms Q1029P.
Identifiers: ClinVar variation 986312 (VCV000986312.2), dbSNP rs1892569039, ClinGen allele CA389045664.

ClinVar aggregate classification (germline): Uncertain significance (1 of 4 stars; one submission).

Submission:

Petrovsky National Research Centre of Surgery, The Federal Agency for Scientific Organizations
Classification: Uncertain significance. Last evaluated: 2020-11-18. Review status: criteria provided, single submitter. Criteria: ACMG Guidelines, 2015. Collection method: clinical testing. Allele origin: unknown. Inheritance: Autosomal dominant inheritance. Affected: yes. Observed: 1 heterozygote.
Comment: To our knowledge the p.Q1029P variant in MYH7 gene in not present in populational databases. Online in silico tools predict the p.Q1029P variant to be probably pathogenic. However, in the absence of functional studies and/or the results of family screening, we could only classify the p.Q1029P variant as a variant of uncertain significance.